The following is an entry in ClinVar:

ClinVar aggregate classification (germline): Likely benign. Review status: criteria provided, multiple submitters, no conflicts (2 of 4 stars). 2 submissions from 2 submitters: Likely benign (2). Last evaluated 2026-01-01.

Conditions:
Pseudohypoaldosteronism type 2C (PHA2C). Also called: Pseudohypoaldosteronism Type IIC. Identifiers: Orphanet 757, Orphanet 88940, MedGen C1840391, MONDO:0013778, OMIM 614492.
Neuropathy, hereditary sensory and autonomic, type 2A (HSAN2A). Also called: HSAN IIA; ACROOSTEOLYSIS, GIACCAI TYPE; ACROOSTEOLYSIS, NEUROGENIC; MORVAN DISEASE; NEUROPATHY, CONGENITAL SENSORY; NEUROPATHY, HEREDITARY SENSORY RADICULAR, AUTOSOMAL RECESSIVE. Identifiers: Orphanet 970, MedGen C2752089, MONDO:0024309, OMIM 201300.

Allele frequency attached by ClinVar (database versions not stated): gnomAD 0.00003 and 0.00004; TOPMed 0.00003; ExAC 0.00004; gnomAD exomes 0.00005 and 0.00011.
gnomAD v4.1: 167 of 1,612,380 alleles (0.01%); highest among the groups gnomAD compares: Non-Finnish European, 0.014%; no homozygotes.

Submissions (2):

CeGaT Center for Human Genetics Tuebingen
Classification: Likely benign. Last evaluated: 2026-01-01. Review status: criteria provided, single submitter. Criteria: CeGaT Center For Human Genetics Tuebingen Variant Classification Criteria Version 2. Collection method: clinical testing. Allele origin: germline. Affected: yes. Observed: 1 variant allele.
Comment: WNK1: BP4, BP7

Labcorp Genetics (formerly Invitae), Labcorp
Classification: Likely benign for Neuropathy, hereditary sensory and autonomic, type 2A; Pseudohypoaldosteronism type 2C. Last evaluated: 2025-07-30. Review status: criteria provided, single submitter. Criteria: Invitae Variant Classification Sherloc (09022015). Collection method: clinical testing. Allele origin: germline.

NM_018979.4(WNK1):c.6T>G (p.Ser2=)

Gene: WNK1 (WNK lysine deficient protein kinase 1; plus strand). Cytogenetic location: 12p13.33.
Variant type: single nucleotide variant.
Coding change: c.6T>G on transcript NM_018979.4 (MANE Select); coding-DNA position 6, T replaced by G.
Protein change: p.Ser2=; no amino-acid change (serine 2 retained).
Molecular consequence: synonymous variant.
Genome position (GRCh38, 1-based): chr12:753,571, T>G. VCF-style: chr12-753571-T-G. GRCh37 (hg19) VCF-style: chr12-862737-T-G.
Other names: c.6T>G, p.Ser2= (NM_001184985.2, NM_014823.3, NM_213655.5).
Identifiers: ClinVar variation 1099965 (VCV001099965.13), dbSNP rs751262701, ClinGen allele CA6381698.